The following is an entry in ClinVar:

ClinVar aggregate classification (germline): Pathogenic/Likely pathogenic. Review status: criteria provided, multiple submitters, no conflicts (2 of 4 stars). 4 submissions from 4 submitters: Pathogenic (1); Likely pathogenic (3). Last evaluated 2026-01-15.

Conditions:
Neurofibromatosis, type 1 (NF1). Also called: VON RECKLINGHAUSEN DISEASE; NEUROFIBROMATOSIS, TYPE I, SOMATIC; Peripheral type neurofibromatosis; Neurofibromatosis, type I. Identifiers: Orphanet 636, MedGen C0027831, MONDO:0018975, OMIM 162200. Disease mechanism: loss of function.

Submissions (4):

Labcorp Genetics (formerly Invitae), Labcorp
Classification: Pathogenic for Neurofibromatosis, type 1. Last evaluated: 2026-01-15. Review status: criteria provided, single submitter. Criteria: Invitae Variant Classification Sherloc (09022015). Collection method: clinical testing. Allele origin: germline.
Comment: This sequence change replaces tryptophan, which is neutral and slightly polar, with arginine, which is basic and polar, at codon 837 of the NF1 protein (p.Trp837Arg). This variant is not present in population databases (gnomAD no frequency). This missense change has been observed in individual(s) with clinical features of neurofibromatosis type 1 (PMID: 36612057; internal data). Invitae Evidence Modeling of clinical and family history, age, sex, and reported ancestry of multiple individuals with this NF1 variant has been performed. This variant is expected to be pathogenic with a positive predictive value of at least 99%. This is a validated machine learning model that incorporates the clinical features of 1,785,918 individuals referred to our laboratory for NF1 testing. ClinVar contains an entry for this variant (Variation ID: 618753). Invitae Evidence Modeling of protein sequence and biophysical properties (such as structural, functional, and spatial information, amino acid conservation, physicochemical variation, residue mobility, and thermodynamic stability) indicates that this missense variant is expected to disrupt NF1 protein function with a positive predictive value of 95%. This variant disrupts the p.Trp837 amino acid residue in NF1. Other variant(s) that disrupt this residue have been determined to be pathogenic (PMID: 23913538, 31776437). This suggests that this residue is clinically significant, and that variants that disrupt this residue are likely to be disease-causing. For these reasons, this variant has been classified as Pathogenic.

GeneDx
Classification: Likely pathogenic. Last evaluated: 2024-06-25. Review status: criteria provided, single submitter. Criteria: GeneDx Variant Classification Process June 2021. Collection method: clinical testing. Allele origin: germline. Affected: yes.
Comment: Not observed in large population cohorts (gnomAD); In silico analysis, which includes protein predictors and evolutionary conservation, supports a deleterious effect; This variant is associated with the following publications: (PMID: 23244495, 23656349, 25486365, 36612057)

ARUP Laboratories, Molecular Genetics and Genomics, ARUP Laboratories
Classification: Likely pathogenic. Last evaluated: 2018-10-26. Review status: criteria provided, single submitter. Criteria: ARUP Molecular Germline Variant Investigation Process. Collection method: clinical testing. Allele origin: germline.
Comment: The NF1 c.2509T>C; p.Trp837Arg variant is reported in the literature in at least two individuals with a clinical diagnosis of NF1 (Alkindy 2012, van Minkelen 2014). This variant is absent from general population databases (1000 Genomes Project, Exome Variant Server, and Genome Aggregation Database), indicating it is not a common polymorphism. The tryptophan at this position is highly conserved across species and computational algorithms (PolyPhen2, SIFT) predict this variant is deleterious. Additionally, other variants at this codon (c.2509T>A, p.Trp837Arg; c.2509T>G, p.Trp837Gly) have been reported in individuals with NF1 (Alkindy 2012, Sabbagh 2013). Based on available information, the p.Trp837Arg variant is considered to be likely pathogenic. References: Alkindy A et al. Genotype-phenotype associations in neurofibromatosis type 1 (NF1): an increased risk of tumor complications in patients with NF1 splice-site mutations? Hum Genomics. 2012 Aug 13;6:12. Sabbagh A et al. NF1 molecular characterization and neurofibromatosis type I genotype-phenotype correlation: the French experience. Hum Mutat. 2013 Nov;34(11):1510-8. Clin Genet. 2014 van Minkelen et al. A clinical and genetic overview of 18?years neurofibromatosis type 1 molecular diagnostics in the Netherlands. 2014 Apr;85(4):318-27.

Juno Genomics, Hangzhou Juno Genomics, Inc
Classification: Likely pathogenic for Neurofibromatosis, type 1. Review status: criteria provided, single submitter. Criteria: ACMG Guidelines, 2015. Collection method: clinical testing. Allele origin: germline. Affected: yes.
Comment: Absent from controls (or at extremely low frequency if recessive) in Genome Aggregation Database, Exome Sequencing Project, 1000 Genomes Project, or Exome Aggregation Consortium.;Multiple lines of computational evidence support a deleterious effect on the gene or gene product (conservation, evolutionary, splicing impact, etc).;Missense variant in a gene that has a low rate of benign missense variation and where missense variants are a common mechanism of disease.;The prevalence of the variant in affected individuals is significantly increased compared to the prevalence in controls.;Patient's phenotype or family history is highly specific for a disease with a single genetic etiology.

Literature cited by the submitters: PubMed 36612057 (cited by Labcorp Genetics (formerly Invitae), Labcorp); PubMed 23913538 (cited by Labcorp Genetics (formerly Invitae), Labcorp); PubMed 31776437 (cited by Labcorp Genetics (formerly Invitae), Labcorp).

NM_001042492.3(NF1):c.2509T>C (p.Trp837Arg)

Gene: NF1 (neurofibromin 1; plus strand). Cytogenetic location: 17q11.2.
Variant type: single nucleotide variant.
Coding change: c.2509T>C on transcript NM_001042492.3 (MANE Select); coding-DNA position 2509, T replaced by C.
Protein change: p.Trp837Arg; replaces tryptophan 837 with arginine.
Molecular consequence: missense variant.
Genome position (GRCh38, 1-based): chr17:31,229,124, T>C. VCF-style: chr17-31229124-T-C. GRCh37 (hg19) VCF-style: chr17-29556142-T-C.
Other names: c.2509T>C, p.Trp837Arg (NM_000267.4); short protein forms W837R.
Identifiers: ClinVar variation 618753 (VCV000618753.16), dbSNP rs587781747, ClinGen allele CA398984127.